The following is an entry in ClinVar:

ClinVar aggregate classification (germline): Uncertain significance (1 of 4 stars; one submission).

Conditions:
Asphyxiating thoracic dystrophy 2 (SRTD2). Also called: SHORT-RIB THORACIC DYSPLASIA 2 WITH POLYDACTYLY; SHORT-RIB THORACIC DYSPLASIA 2 WITHOUT POLYDACTYLY; SHORT-RIB THORACIC DYSPLASIA 2 WITH OR WITHOUT POLYDACTYLY. Identifiers: Orphanet 474, MedGen C1970005, MONDO:0012644, OMIM 611263.

Submission:

Juno Genomics, Hangzhou Juno Genomics, Inc
Classification: Uncertain significance for Asphyxiating thoracic dystrophy 2. Review status: criteria provided, single submitter. Criteria: ACMG Guidelines, 2015. Collection method: clinical testing. Allele origin: germline.
Comment: Absent from controls (or at extremely low frequency if recessive) in Genome Aggregation Database.;Multiple lines of computational evidence support a deleterious effect on the gene or gene product.

NM_020800.3(IFT80):c.1664+3A>G

Genes: IFT80 (intraflagellar transport 80; minus strand), TRIM59-IFT80 (TRIM59-IFT80 readthrough (NMD candidate); minus strand). Cytogenetic location: 3q25.33.
Variant type: single nucleotide variant.
Coding change: c.1664+3A>G on transcript NM_020800.3 (MANE Select); 3 bases into the intron after coding-DNA position 1664, A replaced by G.
Molecular consequence: intron variant.
Genome position (GRCh38, 1-based): chr3:160,280,664, T>C on the plus strand (A>G on the coding strand, the complement: IFT80 is on the minus strand). VCF-style: chr3-160280664-T-C. GRCh37 (hg19) VCF-style: chr3-159998452-T-C.
Other names: c.1253+3A>G (NM_001190241.2, NM_001190242.2).
Identifiers: ClinVar variation 5019265 (VCV005019265.2).